The following is an entry in ClinVar:

ClinVar aggregate classification (germline): Conflicting classifications of pathogenicity. Review status: criteria provided, conflicting classifications (1 of 4 stars). 3 submissions from 3 submitters: Uncertain significance (1); Likely benign (1). 1 of the submissions does not count toward it. Last evaluated 2026-01-16.

Conditions:
Moyamoya disease 2 (MYMY2). Also called: MOYAMOYA DISEASE 2, SUSCEPTIBILITY TO. Identifiers: Orphanet 2573, MedGen C1846689, MONDO:0011784, OMIM 607151.
RNF213-related disorder. Also called: RNF213-related condition.

Allele frequency attached by ClinVar (database versions not stated): ESP Exome Variant Server 0.00008; gnomAD 0.00017 and 0.00018; TOPMed 0.00022.
gnomAD v4.1: 554 of 1,613,906 alleles (0.034%); highest among the groups gnomAD compares: Non-Finnish European, 0.043%; no homozygotes.

Submissions (3):

Labcorp Genetics (formerly Invitae), Labcorp
Classification: Likely benign. Last evaluated: 2026-01-16. Review status: criteria provided, single submitter. Criteria: Invitae Variant Classification Sherloc (09022015). Collection method: clinical testing. Allele origin: germline.

PreventionGenetics, part of Exact Sciences
Classification: Uncertain significance for RNF213-related condition. Last evaluated: 2023-03-28. Review status: criteria provided, single submitter. Criteria: ACMG Guidelines, 2015. Collection method: clinical testing. Allele origin: germline.
Comment: The RNF213 c.15487G>A variant is predicted to result in the amino acid substitution p.Val5163Ile. This variant was reported in an individual with Moyamoya disease (Cecchi et al. 2014. PubMed ID: 25278557). This variant is reported in 0.028% of alleles in individuals of European (Non-Finnish) descent in gnomAD. At this time, the clinical significance of this variant is uncertain due to the absence of conclusive functional and genetic evidence.

Department of Internal Medicine, University of Texas Health Science Center at Houston
Classification: Uncertain significance for Moyamoya disease 2. Last evaluated: 2014-09-08. Review status: no assertion criteria provided. Collection method: research. Allele origin: germline. Affected: yes. Not counted in ClinVar's aggregate classification.

Literature cited by the submitters: PubMed 25278557 (cited by Department of Internal Medicine, University of Texas Health Science Center at Houston).

NM_001256071.3(RNF213):c.15487G>A (p.Val5163Ile)

Genes: RNF213 (ring finger protein 213; plus strand), RNF213-AS1 (RNF213 antisense RNA 1; minus strand). Cytogenetic location: 17q25.3.
Variant type: single nucleotide variant.
Coding change: c.15487G>A on transcript NM_001256071.3 (MANE Select); coding-DNA position 15487, G replaced by A.
Protein change: p.Val5163Ile; replaces valine 5163 with isoleucine.
Molecular consequence: missense variant.
Genome position (GRCh38, 1-based): chr17:80,393,361, G>A. VCF-style: chr17-80393361-G-A. GRCh37 (hg19) VCF-style: chr17-78367161-G-A.
Other names: short protein forms V5163I.
Identifiers: ClinVar variation 210005 (VCV000210005.3), dbSNP rs201733659, ClinGen allele CA205019.